The following is an entry in ClinVar:

NM_001943.5(DSG2):c.3230C>T (p.Ser1077Phe)

Genes: DSG2-AS1 (DSG2 antisense RNA 1; minus strand), DSG2 (desmoglein 2; plus strand). Cytogenetic location: 18q12.1.
Variant type: single nucleotide variant.
Coding change: c.3230C>T on transcript NM_001943.5 (MANE Select); coding-DNA position 3230, C replaced by T.
Protein change: p.Ser1077Phe; replaces serine 1077 with phenylalanine.
Molecular consequence: missense variant.
Genome position (GRCh38, 1-based): chr18:31,546,616, C>T. VCF-style: chr18-31546616-C-T. GRCh37 (hg19) VCF-style: chr18-29126579-C-T.
Other names: short protein forms S1077F.
Identifiers: ClinVar variation 1331820 (VCV001331820.5), dbSNP rs962653351, ClinGen allele CA297702654.

ClinVar aggregate classification (germline): Uncertain significance. Review status: criteria provided, multiple submitters, no conflicts (2 of 4 stars). 2 submissions from 2 submitters: Uncertain significance (2). Last evaluated 2024-03-07.

Conditions:
Cardiomyopathy (CMYO). Also called: Cardiomyopathies. Identifiers: Orphanet 167848, MedGen C0878544, MONDO:0004994, HP:0001638. Inheritance: Various modes of inheritance.
Cardiovascular phenotype. Identifiers: MedGen CN230736.

Allele frequency attached by ClinVar (database versions not stated): gnomAD exomes below 0.00001; TOPMed below 0.00001.
gnomAD v4.1: 2 of 1,614,208 alleles (0.00012%); highest among the groups gnomAD compares: Non-Finnish European, 0.00017%; no homozygotes.

Submissions (2):

Color Diagnostics, LLC DBA Color Health
Classification: Uncertain significance for Cardiomyopathy. Last evaluated: 2024-03-07. Review status: criteria provided, single submitter. Criteria: ACMG Guidelines, 2015. Collection method: clinical testing. Allele origin: germline.
Comment: This missense variant replaces serine with phenylalanine at codon 1077 of the DSG2 protein. Computational prediction suggests that this variant may not impact protein structure and function (internally defined REVEL score threshold <= 0.5, PMID: 27666373). To our knowledge, functional studies have not been reported for this variant. This variant has not been reported in individuals affected with cardiovascular disorders in the literature. This variant has not been identified in the general population by the Genome Aggregation Database (gnomAD). The available evidence is insufficient to determine the role of this variant in disease conclusively. Therefore, this variant is classified as a Variant of Uncertain Significance.

Ambry Genetics
Classification: Uncertain significance for Cardiovascular phenotype. Last evaluated: 2021-07-15. Review status: criteria provided, single submitter. Criteria: Ambry Variant Classification Scheme 2023. Collection method: clinical testing. Allele origin: germline.
Comment: The p.S1077F variant (also known as c.3230C>T), located in coding exon 15 of the DSG2 gene, results from a C to T substitution at nucleotide position 3230. The serine at codon 1077 is replaced by phenylalanine, an amino acid with highly dissimilar properties. This amino acid position is conserved. In addition, this alteration is predicted to be tolerated by in silico analysis. Since supporting evidence is limited at this time, the clinical significance of this alteration remains unclear.